The following is an entry in ClinVar:

NM_001368397.1(FRMPD4):c.972G>C (p.Glu324Asp)

Gene: FRMPD4 (FERM and PDZ domain containing 4; plus strand). Cytogenetic location: Xp22.2.
Variant type: single nucleotide variant.
Coding change: c.972G>C on transcript NM_001368397.1 (MANE Select); coding-DNA position 972, G replaced by C.
Protein change: p.Glu324Asp; replaces glutamic acid 324 with aspartic acid.
Molecular consequence: missense variant.
Genome position (GRCh38, 1-based): chrX:12,701,912, G>C. VCF-style: chrX-12701912-G-C. GRCh37 (hg19) VCF-style: chrX-12720031-G-C.
Other names: c.1083G>C, p.Glu361Asp (NM_001368395.3, NM_001368398.3); c.978G>C, p.Glu326Asp (NM_001368396.3); c.963G>C, p.Glu321Asp (NM_001368399.3); c.852G>C, p.Glu284Asp (NM_001368400.3); c.948G>C, p.Glu316Asp (NM_001368401.1, NM_001368402.3); c.972G>C, p.Glu324Asp (NM_014728.3); short protein forms E284D, E316D, E321D, E324D, E326D, E361D.
Identifiers: ClinVar variation 3361781 (VCV003361781.1).

ClinVar aggregate classification (germline): Uncertain significance (1 of 4 stars; one submission).

Submission:

GeneDx
Classification: Uncertain significance. Last evaluated: 2023-08-11. Review status: criteria provided, single submitter. Criteria: GeneDx Variant Classification Process June 2021. Collection method: clinical testing. Allele origin: germline. Affected: yes.
Comment: Not observed at significant frequency in large population cohorts (gnomAD); In silico analysis supports that this missense variant does not alter protein structure/function; Has not been previously published as pathogenic or benign to our knowledge